The following is an entry in ClinVar:

ClinVar aggregate classification (germline): Benign. Review status: criteria provided, multiple submitters, no conflicts (2 of 4 stars). 3 submissions from 3 submitters: Benign (2). 1 of the submissions does not count toward it. Last evaluated 2018-05-18.

Conditions:
ATP13A4-related disorder. Also called: ATP13A4-related condition.

Allele frequency attached by ClinVar (database versions not stated): gnomAD exomes 0.00058; ESP Exome Variant Server 0.00223; 1000 Genomes Project 30x 0.00281; ExAC 0.00073; 1000 Genomes Project 0.00260; gnomAD 0.00279 and 0.00256; TOPMed 0.00261.
gnomAD v4.1: 737 of 1,614,132 alleles (0.046%); highest among the groups gnomAD compares: African/African-American, 0.9%; 3 homozygotes.

Submissions (3):

Labcorp Genetics (formerly Invitae), Labcorp
Classification: Benign. Last evaluated: 2018-05-18. Review status: criteria provided, single submitter. Criteria: Invitae Variant Classification Sherloc (09022015). Collection method: clinical testing. Allele origin: germline.

Breakthrough Genomics
Classification: Benign. Review status: criteria provided, single submitter. Criteria: ACMG Guidelines, 2015. Collection method: not provided. Allele origin: germline. Inheritance: Unknown mechanism. Affected: yes.

PreventionGenetics, part of Exact Sciences
Classification: Benign for ATP13A4-related condition. Last evaluated: 2019-08-08. Review status: no assertion criteria provided. Collection method: clinical testing. Allele origin: germline. Not counted in ClinVar's aggregate classification.
Comment: This variant is classified as benign based on ACMG/AMP sequence variant interpretation guidelines (Richards et al. 2015 PMID: 25741868, with internal and published modifications).

NM_032279.4(ATP13A4):c.2947C>T (p.Leu983=)

Gene: ATP13A4 (ATPase 13A4; minus strand). Cytogenetic location: 3q29.
Variant type: single nucleotide variant.
Coding change: c.2947C>T on transcript NM_032279.4 (MANE Select); coding-DNA position 2947, C replaced by T.
Protein change: p.Leu983=; no amino-acid change (leucine 983 retained).
Molecular consequence: synonymous variant.
Genome position (GRCh38, 1-based): chr3:193,414,646, G>A on the plus strand (C>T on the coding strand, the complement: ATP13A4 is on the minus strand). VCF-style: chr3-193414646-G-A. GRCh37 (hg19) VCF-style: chr3-193132435-G-A.
Identifiers: ClinVar variation 785077 (VCV000785077.6), dbSNP rs116053605, ClinGen allele CA2757896.